The following is an entry in ClinVar:

ClinVar aggregate classification (germline): Pathogenic (1 of 4 stars; one submission).

Submission:

Labcorp Genetics (formerly Invitae), Labcorp
Classification: Pathogenic. Last evaluated: 2019-03-14. Review status: criteria provided, single submitter. Criteria: Invitae Variant Classification Sherloc (09022015). Collection method: clinical testing. Allele origin: germline.
Comment: For these reasons, this variant has been classified as Pathogenic. Loss-of-function variants in RETREG1 are known to be pathogenic (PMID: 19838196). This variant has not been reported in the literature in individuals with RETREG1-related conditions. This variant is not present in population databases (ExAC no frequency). This sequence change creates a premature translational stop signal (p.Gln263*) in the RETREG1 gene. It is expected to result in an absent or disrupted protein product.

Literature cited by the submitters: PubMed 19838196.

NM_001034850.3(RETREG1):c.787C>T (p.Gln263Ter)

Gene: RETREG1 (reticulophagy regulator 1; minus strand). Cytogenetic location: 5p15.1.
Variant type: single nucleotide variant.
Coding change: c.787C>T on transcript NM_001034850.3 (MANE Select); coding-DNA position 787, C replaced by T.
Protein change: p.Gln263Ter; replaces glutamine 263 with a stop codon.
Molecular consequence: nonsense.
Genome position (GRCh38, 1-based): chr5:16,478,871, G>A on the plus strand (C>T on the coding strand, the complement: RETREG1 is on the minus strand). VCF-style: chr5-16478871-G-A. GRCh37 (hg19) VCF-style: chr5-16478980-G-A.
Other names: c.364C>T, p.Gln122Ter (NM_019000.5); short protein forms Q122*, Q263*.
Identifiers: ClinVar variation 835725 (VCV000835725.7), dbSNP rs1738646700, ClinGen allele CA359258430.